The following is an entry in ClinVar:

NM_001174147.2(LMX1B):c.479_486del (p.Glu160fs)

Gene: LMX1B (LIM homeobox transcription factor 1 beta; plus strand). Cytogenetic location: 9q33.3.
Variant type: Deletion.
Coding change: c.479_486del on transcript NM_001174147.2 (MANE Select); coding-DNA positions 479 to 486, 8 bases deleted (AGGGCCAG; older notation c.479_486delAGGGCCAG).
Protein change: p.Glu160fs; shifts the reading frame from glutamic acid 160.
Molecular consequence: frameshift variant.
Genome position (GRCh38, 1-based): chr9:126,690,988-126,690,995, AGGGCCAG deleted; deleting any 8 consecutive bases within chr9:126,690,987-126,690,995 gives the same sequence; the c. name uses the placement nearest the transcript's 3' end. VCF-style (leftmost placement, unchanged base first): chr9-126690986-GGAGGGCCA-G. GRCh37 (hg19) VCF-style: chr9-129453265-GGAGGGCCA-G.
Other names: c.479_486del, p.Glu160fs (NM_001174146.2, NM_002316.4); short protein forms E160fs.
Identifiers: ClinVar variation 2717169 (VCV002717169.3), dbSNP rs2490682841, ClinGen allele CA2697558044.
Genomic context (GRCh38, chr9:126,690,986, plus strand): 5'-CTGCTTCTGCTGCTGCGTGTGTGAACGGCAGCTACGCAAGGGCGACGAATTCGTGCTCAA[GGAGGGCCA>G]GCTGCTGTGCAAGGGTGACTACGAGAAGGAGAAGGACCTGCTCAGCTCCGTGAGCCCCGA-3'

ClinVar aggregate classification (germline): Pathogenic (1 of 4 stars; one submission).

Submission:

Labcorp Genetics (formerly Invitae), Labcorp
Classification: Pathogenic. Last evaluated: 2023-06-16. Review status: criteria provided, single submitter. Criteria: Invitae Variant Classification Sherloc (09022015). Collection method: clinical testing. Allele origin: germline.
Comment: For these reasons, this variant has been classified as Pathogenic. This variant has not been reported in the literature in individuals affected with LMX1B-related conditions. This variant is not present in population databases (gnomAD no frequency). This sequence change creates a premature translational stop signal (p.Glu160Alafs*6) in the LMX1B gene. It is expected to result in an absent or disrupted protein product. Loss-of-function variants in LMX1B are known to be pathogenic (PMID: 9590287, 15498463).

Literature cited by the submitters: PubMed 9590287; PubMed 15498463.